The following is an entry in ClinVar:

ClinVar aggregate classification (germline): Uncertain significance (1 of 4 stars; one submission).

gnomAD v4.1: 1 of 1,614,198 alleles (0.000062%); highest among the groups gnomAD compares: Non-Finnish European, 0.000085%; no homozygotes.

Submission:

Athena Diagnostics
Classification: Uncertain significance. Last evaluated: 2024-05-03. Review status: criteria provided, single submitter. Criteria: Athena Diagnostics Criteria. Collection method: clinical testing. Allele origin: unknown.
Comment: Available data are insufficient to determine the clinical significance of the variant at this time. This variant has not been reported in large, multi-ethnic general populations. Polyphen and MutationTaster predict this amino acid change may be benign.

NM_182961.4(SYNE1):c.19916C>G (p.Ser6639Cys)

Gene: SYNE1 (spectrin repeat containing nuclear envelope protein 1; minus strand). Cytogenetic location: 6q25.2.
Variant type: single nucleotide variant.
Coding change: c.19916C>G on transcript NM_182961.4 (MANE Select); coding-DNA position 19916, C replaced by G.
Protein change: p.Ser6639Cys; replaces serine 6639 with cysteine.
Molecular consequence: missense variant.
Genome position (GRCh38, 1-based): chr6:152,239,684, G>C on the plus strand (C>G on the coding strand, the complement: SYNE1 is on the minus strand). VCF-style: chr6-152239684-G-C. GRCh37 (hg19) VCF-style: chr6-152560819-G-C.
Other names: c.19703C>G, p.Ser6568Cys (NM_033071.5); short protein forms S6639C, S6568C.
Identifiers: ClinVar variation 3571697 (VCV003571697.1).